The following is an entry in ClinVar:

ClinVar aggregate classification (germline): Uncertain significance (1 of 4 stars; one submission).

Conditions:
Hereditary cancer-predisposing syndrome. Also called: Neoplastic Syndromes, Hereditary; Tumor predisposition; Hereditary Cancer Syndrome; Hereditary neoplastic syndrome. Identifiers: Orphanet 140162, MedGen C0027672, MeSH D009386, MONDO:0015356.

Submission:

Ambry Genetics
Classification: Uncertain significance for Hereditary cancer-predisposing syndrome. Last evaluated: 2020-11-24. Review status: criteria provided, single submitter. Criteria: Ambry Variant Classification Scheme 2023. Collection method: clinical testing. Allele origin: germline.
Comment: The p.D1081E variant (also known as c.3243T>A), located in coding exon 20 of the RET gene, results from a T to A substitution at nucleotide position 3243. The aspartic acid at codon 1081 is replaced by glutamic acid, an amino acid with highly similar properties. This amino acid position is well conserved in available vertebrate species. In addition, the in silico prediction for this alteration is inconclusive. Since supporting evidence is limited at this time, the clinical significance of this alteration remains unclear.

NM_020975.6(RET):c.3243T>A (p.Asp1081Glu)

Gene: RET (ret proto-oncogene; plus strand). Cytogenetic location: 10q11.21.
Variant type: single nucleotide variant.
Coding change: c.3243T>A on transcript NM_020975.6 (MANE Select); coding-DNA position 3243, T replaced by A.
Protein change: p.Asp1081Glu; replaces aspartic acid 1081 with glutamic acid.
Molecular consequence: missense variant.
Genome position (GRCh38, 1-based): chr10:43,128,167, T>A. VCF-style: chr10-43128167-T-A. GRCh37 (hg19) VCF-style: chr10-43623615-T-A.
Other names: c.2847T>A, p.Asp949Glu (NM_001406769.1); c.*1413T>A (NM_001406770.1, NM_001406772.1, NM_001406773.1 and 15 more transcripts); c.2805T>A, p.Asp935Glu (NM_001406771.1); c.2517T>A, p.Asp839Glu (NM_001406775.1); c.2457T>A, p.Asp819Glu (NM_001406777.1); c.2346T>A, p.Asp782Glu (NM_001406779.1, NM_001406780.1); c.2217T>A, p.Asp739Glu (NM_001406783.1); c.1734T>A, p.Asp578Glu (NM_001406793.1); and 7 more; short protein forms D1036E, D1061E, D598E, D839E, D985E, D1038E, D739E, D782E.
Identifiers: ClinVar variation 1729327 (VCV001729327.2), dbSNP rs144192900, ClinGen allele CA376558954.